The following is an entry in ClinVar:

ClinVar aggregate classification (germline): Pathogenic/Likely pathogenic. Review status: criteria provided, multiple submitters, no conflicts (2 of 4 stars). 18 submissions from 18 submitters: Pathogenic (8); Likely pathogenic (6). 4 of the submissions do not count toward it. Last evaluated 2026-01-27.

Conditions:
SLC2A10-related disorder. Also called: SLC2A10-related condition.
Familial thoracic aortic aneurysm and aortic dissection (TAAD). Also called: Thoracic aortic aneurysms and dissections. Identifiers: Orphanet 91387, MedGen C4707243, MONDO:0019625.
Arterial tortuosity syndrome (ATORS). Identifiers: Orphanet 3342, MedGen C1859726, MONDO:0008818, OMIM 208050.

Allele frequency attached by ClinVar (database versions not stated): ExAC 0.00002; gnomAD 0.00009 and 0.00010; gnomAD exomes 0.00005 and 0.00003; TOPMed 0.00005.
gnomAD v4.1: 91 of 1,613,986 alleles (0.0056%); highest among the groups gnomAD compares: African/African-American, 0.0067%; no homozygotes.

Submissions 1 to 8 of 18:

Labcorp Genetics (formerly Invitae), Labcorp
Classification: Pathogenic for Arterial tortuosity syndrome. Last evaluated: 2026-01-27. Review status: criteria provided, single submitter. Criteria: Invitae Variant Classification Sherloc (09022015). Collection method: clinical testing. Allele origin: germline.
Comment: This sequence change replaces arginine, which is basic and polar, with tryptophan, which is neutral and slightly polar, at codon 132 of the SLC2A10 protein (p.Arg132Trp). This variant is present in population databases (rs121908173, gnomAD 0.007%). This missense change has been observed in individual(s) with autosomal recessive arterial tortuosity syndrome (PMID: 17935213, 28726533, 29543232). In at least one individual the data is consistent with being in trans (on the opposite chromosome) from a pathogenic variant. ClinVar contains an entry for this variant (Variation ID: 4590). Invitae Evidence Modeling of protein sequence and biophysical properties (such as structural, functional, and spatial information, amino acid conservation, physicochemical variation, residue mobility, and thermodynamic stability) indicates that this missense variant is expected to disrupt SLC2A10 protein function with a positive predictive value of 95%. For these reasons, this variant has been classified as Pathogenic.

GeneDx
Classification: Likely pathogenic. Last evaluated: 2025-06-28. Review status: criteria provided, single submitter. Criteria: GeneDx Variant Classification Process June 2021. Collection method: clinical testing. Allele origin: germline. Affected: yes.
Comment: Not observed at significant frequency in large population cohorts (gnomAD); In silico analysis supports that this missense variant has a deleterious effect on protein structure/function; This variant is associated with the following publications: (PMID: 25392904, 17935213, 29543232, 28726533, 39456956, 29323665)

Dasa
Classification: Pathogenic. Last evaluated: 2025-06-17. Review status: criteria provided, single submitter. Criteria: DASA Assertion Criteria. Collection method: clinical testing. Allele origin: germline.
Comment: NM_030777.4(SLC2A10):c.394C>T (p.Arg132Trp) is a missense variant that results in the substitution of arginine with tryptophan. Segregation evidence has been reported in affected families. This variant has been recurrently observed in affected individuals with related phenotype in a genotype context consistent with recessive disease (PMID: 17935213; PMID: 28726533; PMID: 29543232). Multiple computational predictions support a deleterious effect on the gene or gene product. The variant is present at low frequency in population datasets. Based on the available data, this variant is classified as pathogenic.

Shaine Morris Lab, Baylor College of Medicine
Classification: Pathogenic for Arterial tortuosity syndrome. Last evaluated: 2025-03-05. Review status: criteria provided, single submitter. Criteria: ACMG Guidelines, 2015. Collection method: clinical testing. Allele origin: maternal, inherited. Inheritance: Autosomal recessive inheritance. Affected: yes. Observed: 3 compound heterozygotes. Clinical features observed: Generalized arterial tortuosity (HP:0004955), Aortic tortuosity (HP:0006687), Distal aortic arch hypoplasia (HP:0034229), Proximal aortic arch hypoplasia (HP:0034228), Pulmonary artery stenosis (HP:0004415), Ventricular septal defect (HP:0001629), Hypotonia (HP:0001252), Broad face (HP:0000283), Downslanted palpebral fissures (HP:0000494), Prominent ear helix (HP:0009904), Astigmatism (HP:0000483), Hypermetropia (HP:0000540), and 36 more.
Comment: We are submitting the c.394C>T variant in the SLC2A10 gene, located in exon 2, which results in the p.Arg132Trp amino acid substitution. This missense variant is suspected to cause a change in protein function, potentially disrupting the normal function of the SLC2A10 protein. The variant has been previously described in the literature (PMID 17935213 and 29323665) and classified as likely pathogenic or pathogenic in ClinVar. Based on the clinical and molecular evidence in our study, we are submitting this variant again as pathogenic. Supporting Evidence for Classification: We assigned the following criteria to this variant: PP3: In silico predictions suggest that the p.Arg132Trp substitution may significantly impact protein function. The REVEL score of 0.855 further supports this, indicating a moderate to high probability that this variant is deleterious. This strengthens the hypothesis that the variant could disrupt the normal structure and function of the SLC2A10 protein. PP4: The patients in our study, who are compound heterozygous for the c.394C>T variant and another pathogenic SLC2A10 variant, exhibits clinical features consistent with ATS. PP5: The variant has been previously reported as likely pathogenic or pathogenic in multiple studies (PMID 17935213 and PMID 29323665), strengthening its association with ATS. PM1: The p.Arg132Trp substitution occurs in a highly conserved amino acid residue, suggesting that changes at this position could have significant functional consequences for the SLC2A10 protein. The conservation across species supports the pathogenic potential of this variant. PM2: The variant is rare in the general population, with a minor allele frequency (MAF) of 5.27E-05 in gnomAD, consistent with the rarity expected for pathogenic variants in SLC2A10-related disorders. The low allele frequency supports the pathogenicity of this variant. PM3: The patients are compound heterozygous for the c.394C>T variant with other suspected pathogenic SLC2A10 variants. PM5: Functional studies or additional evidence may be required to conclusively demonstrate the impact of this specific missense substitution on the SLC2A10 protein. However, the combination of the other criteria and clinical findings supports the pathogenic classification of this variant. In conclusion, the c.394C>T (p.Arg132Trp) variant in SLC2A10 is classified as pathogenic, based on strong clinical, molecular, and computational evidence.

Victorian Clinical Genetics Services, Murdoch Childrens Research Institute
Classification: Pathogenic for Arterial tortuosity syndrome. Last evaluated: 2024-09-19. Review status: criteria provided, single submitter. Criteria: ACMG Guidelines, 2015. Collection method: clinical testing. Allele origin: germline. Inheritance: Autosomal recessive inheritance. Affected: yes.
Comment: Based on the classification scheme VCGS_Germline_v1.3.4, this variant is classified as Pathogenic. Following criteria are met: 0102 - Loss of function is a known mechanism of disease in this gene and is associated with arterial tortuosity syndrome (MIM#208050). (I) 0106 - This gene is associated with autosomal recessive disease. (I) 0115 - Variants in this gene are known to have variable expressivity, with intrafamilial variability also reported (PMID: 30425910). (I) 0200 - Variant is predicted to result in a missense amino acid change from arginine to tryptophan. (I) 0251 - This variant is heterozygous. (I) 0304 - Variant is present in gnomAD (v3) <0.01 for a recessive condition (14 heterozygotes, 0 homozygotes). (SP) 0309 - Multiple alternative amino acid changes at the same position have been observed in gnomAD (v2) (highest allele count: 18 heterozygotes, 0 homozygotes). (I) 0501 - Missense variant consistently predicted to be damaging by multiple in silico tools or highly conserved with a major amino acid change. (SP) 0600 - Variant is located in the annotated sugar (and other) transporter domain (DECIPHER). (I) 0704 - Another missense variant comparable to the one identified in this case has limited previous evidence for pathogenicity. This alternative change (p.(Arg132Leu)) has been reported once as likely pathogenic (ClinVar). Another variant (p.(Arg132Gln)) has been reported in a homozygous and a compound heterozygous individual with arterial tortuosity syndrome (ATS), but also described as a VUS and as likely pathogenic (ClinVar, PMID: 29323665). (SP) 0801 - This variant has strong previous evidence of pathogenicity in unrelated individuals. This variant has been reported twice as a VUS, but more recently as likely pathogenic and pathogenic, and has been observed in at least six unrelated compound heterozygous individuals with ATS (PMID: 29323665, PMID: 17935213, ClinVar). (SP) 1208 - Inheritance information for this variant is not currently available in this individual. (I) Legend: (SP) - Supporting pathogenic, (I) - Information, (SB) - Supporting benign

CeGaT Center for Human Genetics Tuebingen
Classification: Pathogenic. Last evaluated: 2024-07-01. Review status: criteria provided, single submitter. Criteria: CeGaT Center For Human Genetics Tuebingen Variant Classification Criteria Version 2. Collection method: clinical testing. Allele origin: germline. Affected: yes. Observed: 2 variant alleles.
Comment: SLC2A10: PM3:Very Strong, PM2, PM5:Supporting

Institute of Human Genetics, Heidelberg University
Classification: Likely pathogenic for Arterial tortuosity syndrome. Last evaluated: 2024-04-26. Review status: criteria provided, single submitter. Criteria: ACMG Guidelines, 2015. Collection method: clinical testing. Allele origin: paternal. Affected: yes.

Blueprint Genetics
Classification: Pathogenic for SLC2A10-related disorders. Last evaluated: 2024-04-03. Review status: criteria provided, single submitter. Criteria: ACMG Guidelines, 2015. Collection method: clinical testing. Allele origin: germline. Affected: yes. Observed: 5 variant alleles.

NM_030777.4(SLC2A10):c.394C>T (p.Arg132Trp)

Gene: SLC2A10 (solute carrier family 2 member 10; plus strand). Cytogenetic location: 20q13.12.
Variant type: single nucleotide variant.
Coding change: c.394C>T on transcript NM_030777.4 (MANE Select); coding-DNA position 394, C replaced by T.
Protein change: p.Arg132Trp; replaces arginine 132 with tryptophan.
Molecular consequence: missense variant.
Genome position (GRCh38, 1-based): chr20:46,725,430, C>T. VCF-style: chr20-46725430-C-T. GRCh37 (hg19) VCF-style: chr20-45354069-C-T.
Other names: short protein forms R132W.
Identifiers: ClinVar variation 4590 (VCV000004590.84), dbSNP rs121908173, ClinGen allele CA340267.